The following is an entry in ClinVar:

ClinVar aggregate classification (germline): Uncertain significance. Review status: criteria provided, multiple submitters, no conflicts (2 of 4 stars). 2 submissions from 2 submitters: Uncertain significance (2). Last evaluated 2025-05-27.

Allele frequency attached by ClinVar (database versions not stated): ExAC 0.00001; ESP Exome Variant Server 0.00008; TOPMed 0.00001.

Submissions (2):

Labcorp Genetics (formerly Invitae), Labcorp
Classification: Uncertain significance. Last evaluated: 2025-05-27. Review status: criteria provided, single submitter. Criteria: Invitae Variant Classification Sherloc (09022015). Collection method: clinical testing. Allele origin: germline.
Comment: This sequence change replaces glycine, which is neutral and non-polar, with arginine, which is basic and polar, at codon 792 of the SETD5 protein (p.Gly792Arg). This variant is present in population databases (rs369830364, gnomAD 0.0009%). This variant has not been reported in the literature in individuals affected with SETD5-related conditions. ClinVar contains an entry for this variant (Variation ID: 1503409). Invitae Evidence Modeling of protein sequence and biophysical properties (such as structural, functional, and spatial information, amino acid conservation, physicochemical variation, residue mobility, and thermodynamic stability) has been performed for this missense variant. However, the output from this modeling did not meet the statistical confidence thresholds required to predict the impact of this variant on SETD5 protein function. In summary, the available evidence is currently insufficient to determine the role of this variant in disease. Therefore, it has been classified as a Variant of Uncertain Significance.

GeneDx
Classification: Uncertain significance. Last evaluated: 2024-11-14. Review status: criteria provided, single submitter. Criteria: GeneDx Variant Classification Process June 2021. Collection method: clinical testing. Allele origin: germline.
Comment: Not observed at significant frequency in large population cohorts (gnomAD); In silico analysis indicates that this missense variant does not alter protein structure/function; Has not been previously published as pathogenic or benign to our knowledge

NM_001080517.3(SETD5):c.2374G>A (p.Gly792Arg)

Gene: SETD5 (SET domain containing 5; plus strand). Cytogenetic location: 3p25.3.
Variant type: single nucleotide variant.
Coding change: c.2374G>A on transcript NM_001080517.3 (MANE Select); coding-DNA position 2374, G replaced by A.
Protein change: p.Gly792Arg; replaces glycine 792 with arginine.
Molecular consequence: missense variant.
Genome position (GRCh38, 1-based): chr3:9,453,766, G>A. VCF-style: chr3-9453766-G-A. GRCh37 (hg19) VCF-style: chr3-9495450-G-A.
Other names: c.2374G>A (NM_001080517.1); c.2080G>A, p.Gly694Arg (NM_001292043.2, NM_001349451.2); short protein forms G792R, G694R.
Identifiers: ClinVar variation 1503409 (VCV001503409.8), dbSNP rs369830364, ClinGen allele CA2239435.